The following is an entry in ClinVar:

ClinVar aggregate classification (germline): Uncertain significance (1 of 4 stars; one submission).

Allele frequency attached by ClinVar (database versions not stated): gnomAD 0.00001.
gnomAD v4.1: 2 of 1,612,252 alleles (0.00012%); highest among the groups gnomAD compares: Non-Finnish European, 0.00017%; no homozygotes.

Submission:

Labcorp Genetics (formerly Invitae), Labcorp
Classification: Uncertain significance. Last evaluated: 2022-04-12. Review status: criteria provided, single submitter. Criteria: Invitae Variant Classification Sherloc (09022015). Collection method: clinical testing. Allele origin: germline.
Comment: In summary, the available evidence is currently insufficient to determine the role of this variant in disease. Therefore, it has been classified as a Variant of Uncertain Significance. Algorithms developed to predict the effect of sequence changes on RNA splicing suggest that this variant may disrupt the consensus splice site. Algorithms developed to predict the effect of missense changes on protein structure and function (SIFT, PolyPhen-2, Align-GVGD) all suggest that this variant is likely to be disruptive. This variant has not been reported in the literature in individuals affected with HERC1-related conditions. This variant is present in population databases (no rsID available, gnomAD 0.007%). This sequence change replaces threonine, which is neutral and polar, with arginine, which is basic and polar, at codon 3297 of the HERC1 protein (p.Thr3297Arg).

NM_003922.4(HERC1):c.9890C>G (p.Thr3297Arg)

Gene: HERC1 (HECT and RLD domain containing E3 ubiquitin protein ligase family member 1; minus strand). Cytogenetic location: 15q22.31.
Variant type: single nucleotide variant.
Coding change: c.9890C>G on transcript NM_003922.4 (MANE Select); coding-DNA position 9890, C replaced by G.
Protein change: p.Thr3297Arg; replaces threonine 3297 with arginine.
Molecular consequence: missense variant.
Genome position (GRCh38, 1-based): chr15:63,655,936, G>C on the plus strand (C>G on the coding strand, the complement: HERC1 is on the minus strand). VCF-style: chr15-63655936-G-C. GRCh37 (hg19) VCF-style: chr15-63948135-G-C.
Other names: short protein forms T3297R.
Identifiers: ClinVar variation 1971299 (VCV001971299.5), dbSNP rs1188070139, ClinGen allele CA392757054.